The following is an entry in ClinVar:

ClinVar aggregate classification (germline): Uncertain significance. Review status: criteria provided, multiple submitters, no conflicts (2 of 4 stars). 2 submissions from 2 submitters: Uncertain significance (2). Last evaluated 2025-01-23.

Conditions:
Inborn genetic diseases. Identifiers: MedGen C0950123, MeSH D030342.
Charcot-Marie-Tooth disease type 2. Also called: Charcot-Marie-Tooth type 2. Identifiers: Orphanet 64746, MedGen C0270914, MONDO:0018993.

Allele frequency attached by ClinVar (database versions not stated): gnomAD 0.00014 and 0.00016; gnomAD exomes 0.00001 and 0.00003; ExAC 0.00001; TOPMed 0.00032.

Submissions (2):

Ambry Genetics
Classification: Uncertain significance for Inborn genetic diseases. Last evaluated: 2025-01-23. Review status: criteria provided, single submitter. Criteria: Ambry Variant Classification Scheme 2023. Collection method: clinical testing. Allele origin: germline.

Labcorp Genetics (formerly Invitae), Labcorp
Classification: Uncertain significance for Charcot-Marie-Tooth disease type 2. Last evaluated: 2022-06-07. Review status: criteria provided, single submitter. Criteria: Invitae Variant Classification Sherloc (09022015). Collection method: clinical testing. Allele origin: germline.
Comment: This sequence change replaces valine, which is neutral and non-polar, with leucine, which is neutral and non-polar, at codon 245 of the MED25 protein (p.Val245Leu). This variant is present in population databases (rs771068558, gnomAD 0.03%). This variant has not been reported in the literature in individuals affected with MED25-related conditions. ClinVar contains an entry for this variant (Variation ID: 1052073). Algorithms developed to predict the effect of missense changes on protein structure and function (SIFT, PolyPhen-2, Align-GVGD) all suggest that this variant is likely to be tolerated. Algorithms developed to predict the effect of sequence changes on RNA splicing suggest that this variant may create or strengthen a splice site. In summary, the available evidence is currently insufficient to determine the role of this variant in disease. Therefore, it has been classified as a Variant of Uncertain Significance.

NM_030973.4(MED25):c.733G>C (p.Val245Leu)

Gene: MED25 (mediator complex subunit 25; plus strand). Cytogenetic location: 19q13.33.
Variant type: single nucleotide variant.
Coding change: c.733G>C on transcript NM_030973.4 (MANE Select); coding-DNA position 733, G replaced by C.
Protein change: p.Val245Leu; replaces valine 245 with leucine.
Molecular consequence: missense variant.
Genome position (GRCh38, 1-based): chr19:49,830,132, G>C. VCF-style: chr19-49830132-G-C. GRCh37 (hg19) VCF-style: chr19-50333389-G-C.
Other names: c.733G>C (NM_030973.3); c.733G>C, p.Val245Leu (NM_001378355.1); short protein forms V245L.
Identifiers: ClinVar variation 1052073 (VCV001052073.6), dbSNP rs771068558, ClinGen allele CA9584998.